The following is an entry in ClinVar:

ClinVar aggregate classification (germline): Uncertain significance. Review status: criteria provided, multiple submitters, no conflicts (2 of 4 stars). 5 submissions from 5 submitters: Uncertain significance (4). 1 of the submissions does not count toward it. Last evaluated 2025-10-11.

Conditions:
Hereditary cancer-predisposing syndrome. Also called: Neoplastic Syndromes, Hereditary; Hereditary Cancer Syndrome; Tumor predisposition; Hereditary neoplastic syndrome. Identifiers: Orphanet 140162, MedGen C0027672, MeSH D009386, MONDO:0015356.
Familial cancer of breast. Also called: BREAST CANCER, FAMILIAL; hereditary breast carcinoma; Hereditary breast cancer. Identifiers: Orphanet 227535, MedGen C0346153, MONDO:0016419, OMIM 114480. Disease mechanism: loss of function.
Fanconi anemia complementation group J. Also called: BRIP1-Related Fanconi Anemia. Identifiers: Orphanet 84, MedGen C1836860, MONDO:0012187, OMIM 609054.
Breast cancer, early-onset. Identifiers: MedGen C4016951.

Submissions (5):

Labcorp Genetics (formerly Invitae), Labcorp
Classification: Uncertain significance for Familial cancer of breast; Fanconi anemia complementation group J. Last evaluated: 2025-10-11. Review status: criteria provided, single submitter. Criteria: Invitae Variant Classification Sherloc (09022015). Collection method: clinical testing. Allele origin: germline.
Comment: This sequence change replaces methionine, which is neutral and non-polar, with isoleucine, which is neutral and non-polar, at codon 299 of the BRIP1 protein (p.Met299Ile). This variant is not present in population databases (gnomAD no frequency). This missense change has been observed in individual(s) with breast cancer or acute myeloid leukemia (PMID: 11301010, 34482403). ClinVar contains an entry for this variant (Variation ID: 4737). Invitae Evidence Modeling of protein sequence and biophysical properties (such as structural, functional, and spatial information, amino acid conservation, physicochemical variation, residue mobility, and thermodynamic stability) has been performed for this missense variant. However, the output from this modeling did not meet the statistical confidence thresholds required to predict the impact of this variant on BRIP1 protein function. Experimental studies are conflicting or provide insufficient evidence to determine the effect of this variant on BRIP1 function (PMID: 14983014, 17145708, 32542039). In summary, the available evidence is currently insufficient to determine the role of this variant in disease. Therefore, it has been classified as a Variant of Uncertain Significance.

Women's Health and Genetics/Laboratory Corporation of America, LabCorp
Classification: Uncertain significance. Last evaluated: 2024-10-16. Review status: criteria provided, single submitter. Criteria: LabCorp Variant Classification Summary - May 2015. Collection method: clinical testing. Allele origin: germline.
Comment: Variant summary: BRIP1 c.897G>A (p.Met299Ile) results in a conservative amino acid change located in the Helicase-like, DEXD box c2 type (IPR006554) of the encoded protein sequence. Four of five in-silico tools predict a benign effect of the variant on protein function. The variant was absent in 250858 control chromosomes. The available data on variant occurrences in the general population are insufficient to allow any conclusion about variant significance. c.897G>A has been reported in the literature in individuals affected with breast cancer and Acute myeloid leukaemia (Cantor_2001, Yang_2022). These report(s) do not provide unequivocal conclusions about association of the variant with Fanconi Anemia Complementation Group J. At least one publication reports experimental evidence evaluating an impact on protein function. These results showed intacted iron incorporation ability and restoring MMC sensitivity of FANCJ knock-out cells to the same extent as expression of the wild-type (Odermatt_2020), which is conflict with the previous report of elevated ATPase activity in vitro (Cantor_2004). The following publications have been ascertained in the context of this evaluation (PMID: 11301010, 14983014, 32542039, 34482403). ClinVar contains an entry for this variant (Variation ID: 4737). Based on the evidence outlined above, the variant was classified as uncertain significance.

Ambry Genetics
Classification: Uncertain significance for Hereditary cancer-predisposing syndrome. Last evaluated: 2024-04-25. Review status: criteria provided, single submitter. Criteria: Ambry Variant Classification Scheme 2023. Collection method: clinical testing. Allele origin: germline.
Comment: The p.M299I variant (also known as c.897G>A), located in coding exon 6 of the BRIP1 gene, results from a G to A substitution at nucleotide position 897. The methionine at codon 299 is replaced by isoleucine, an amino acid with highly similar properties. In one study, this variant was reported in 1/30 cases with early onset breast cancer but was not observed in 35 cases of familial breast and ovarian cancer, 21 sporadic cases of breast or ovarian cancer, or 200 matched controls (Cantor SB et al. Cell 2001 Apr; 105(1):149-60). Several in vitro assays demonstrated that this alteration does not result in loss-of-function but exerts a modest gain-of-function effect on ATP-dependent activity compared to wildtype (Cantor S et al. Proc. Natl. Acad. Sci. U.S.A. 2004 Feb; 101(8):2357-62; Gupta R et al. Nucleic Acids Res. 2006; 34(22):6673-83; Gupta R et al. Blood 2007 Oct; 110(7):2390-8; Wu Y et al. Mol. Cell. Biol. 2008 Jun; 28(12):4116-28; Sommers JA et al. J. Biol. Chem. 2009 Mar; 284(12):7505-17). This amino acid position is well conserved in available vertebrate species. In addition, the in silico prediction for this alteration is inconclusive. Based on the available evidence, the clinical significance of this variant remains unclear.

Color Diagnostics, LLC DBA Color Health
Classification: Uncertain significance for Hereditary cancer-predisposing syndrome. Last evaluated: 2021-02-18. Review status: criteria provided, single submitter. Criteria: ACMG Guidelines, 2015. Collection method: clinical testing. Allele origin: germline.
Comment: This missense variant replaces methionine with isoleucine at codon 299 of the BRIP1 protein. Computational prediction suggests that this variant may not impact protein structure and function (internally defined REVEL score threshold <= 0.5, PMID: 27666373). Functional studies have shown that this variant protein displays ATPase and helicase activities similar to or greater than the wild-type protein (PMID: 14983014, 17145708) and is able to complement DNA binding, helicase, and DNA damage repair activities to a similar extent as the wild-type protein in BRIP1 knock-out cell lines (PMID: 32542039). This variant has been reported in an individual affected with breast cancer (PMID: 11301010). This variant has not been identified in the general population by the Genome Aggregation Database (gnomAD). The available evidence is insufficient to determine the role of this variant in disease conclusively. Therefore, this variant is classified as a Variant of Uncertain Significance.

OMIM
Classification: Pathogenic for BREAST CANCER, EARLY-ONSET. Last evaluated: 2019-04-19. Review status: no assertion criteria provided. Collection method: literature only. Allele origin: germline. Not counted in ClinVar's aggregate classification.

Literature cited by the submitters: PubMed 11301010 (cited by 3 submitters); PubMed 34482403 (cited by Labcorp Genetics (formerly Invitae), Labcorp and Women's Health and Genetics/Laboratory Corporation of America, LabCorp); PubMed 14983014 (cited by 4 submitters); PubMed 17145708 (cited by Labcorp Genetics (formerly Invitae), Labcorp and Ambry Genetics); PubMed 32542039 (cited by Labcorp Genetics (formerly Invitae), Labcorp and Women's Health and Genetics/Laboratory Corporation of America, LabCorp); PubMed 12565990 (cited by Ambry Genetics); PubMed 12872252 (cited by Ambry Genetics); PubMed 16280053 (cited by Ambry Genetics); PubMed 17596542 (cited by Ambry Genetics); PubMed 18426915 (cited by Ambry Genetics); PubMed 18628483 (cited by Ambry Genetics); PubMed 19150983 (cited by Ambry Genetics); PubMed 21964575 (cited by Ambry Genetics).

NM_032043.3(BRIP1):c.897G>A (p.Met299Ile)

Gene: BRIP1 (BRCA1 interacting DNA helicase 1; minus strand). Cytogenetic location: 17q23.2.
Variant type: single nucleotide variant.
Coding change: c.897G>A on transcript NM_032043.3 (MANE Select); coding-DNA position 897, G replaced by A.
Protein change: p.Met299Ile; replaces methionine 299 with isoleucine.
Molecular consequence: missense variant.
Genome position (GRCh38, 1-based): chr17:61,808,488, C>T on the plus strand (G>A on the coding strand, the complement: BRIP1 is on the minus strand). VCF-style: chr17-61808488-C-T. GRCh37 (hg19) VCF-style: chr17-59885849-C-T.
Other names: short protein forms M299I.
Identifiers: ClinVar variation 4737 (VCV000004737.19), dbSNP rs137852985, ClinGen allele CA117041.